The following is an entry in ClinVar:

ClinVar aggregate classification (germline): Uncertain significance. Review status: criteria provided, multiple submitters, no conflicts (2 of 4 stars). 6 submissions from 6 submitters: Uncertain significance (3). 3 of the submissions do not count toward it. Last evaluated 2025-04-07.

Conditions:
RBP3-related disorder. Also called: RBP3-related condition.
Retinitis pigmentosa 66 (RP66). Identifiers: Orphanet 791, MedGen C3715216, MONDO:0014093, OMIM 615233.
Retinal dystrophy. Also called: Inherited retinal dystrophy. Identifiers: Orphanet 71862, MedGen C0854723, MeSH D058499, MONDO:0019118, HP:0000556.

Allele frequency attached by ClinVar (database versions not stated): ESP Exome Variant Server 0.00008; gnomAD 0.00010; TOPMed 0.00015.
gnomAD v4.1: 252 of 1,611,664 alleles (0.016%); highest among the groups gnomAD compares: Admixed American, 0.092%; no homozygotes.

Submissions (6):

GeneDx
Classification: Uncertain significance. Last evaluated: 2025-04-07. Review status: criteria provided, single submitter. Criteria: GeneDx Variant Classification Process June 2021. Collection method: clinical testing. Allele origin: germline. Affected: yes.
Comment: Reported in a patient with autosomal recessive retinitis pigmentosa; however, this variant did not segregate with disease in the family (PMID: 19074801); In silico analysis does not support a benign or deleterious effect of this variant on protein structure/function; This variant is associated with the following publications: (PMID: 19074801)

Blueprint Genetics
Classification: Uncertain significance. Last evaluated: 2024-09-05. Review status: criteria provided, single submitter. Criteria: ACMG Guidelines, 2015. Collection method: clinical testing. Allele origin: germline.

Labcorp Genetics (formerly Invitae), Labcorp
Classification: Uncertain significance. Last evaluated: 2023-12-07. Review status: criteria provided, single submitter. Criteria: Invitae Variant Classification Sherloc (09022015). Collection method: clinical testing. Allele origin: germline.
Comment: This sequence change replaces arginine, which is basic and polar, with cysteine, which is neutral and slightly polar, at codon 833 of the RBP3 protein (p.Arg833Cys). This variant is present in population databases (rs142945423, gnomAD 0.08%). This missense change has been observed in individual(s) with retinitis pigmentosa (PMID: 19074801). ClinVar contains an entry for this variant (Variation ID: 208318). An algorithm developed to predict the effect of missense changes on protein structure and function (PolyPhen-2) suggests that this variant is likely to be disruptive. In summary, the available evidence is currently insufficient to determine the role of this variant in disease. Therefore, it has been classified as a Variant of Uncertain Significance.

PreventionGenetics, part of Exact Sciences
Classification: Likely benign for RBP3-related condition. Last evaluated: 2024-06-17. Review status: no assertion criteria provided. Collection method: clinical testing. Allele origin: germline. Not counted in ClinVar's aggregate classification.
Comment: This variant is classified as likely benign based on ACMG/AMP sequence variant interpretation guidelines (Richards et al. 2015 PMID: 25741868, with internal and published modifications).

Institute of Human Genetics, Univ. Regensburg, Univ. Regensburg
Classification: Uncertain significance for Retinal dystrophy. Last evaluated: 2019-01-01. Review status: no assertion criteria provided. Criteria: ACMG Guidelines, 2015. Collection method: clinical testing. Allele origin: germline. Affected: yes. Not counted in ClinVar's aggregate classification.

ClinVar Staff, National Center for Biotechnology Information (NCBI)
Classification: Uncertain significance for Retinitis pigmentosa 66. Last evaluated: 2013-06-27. Review status: no assertion criteria provided. Collection method: literature only. Allele origin: germline. Affected: yes. Not counted in ClinVar's aggregate classification.

Literature cited by the submitters: PubMed 19074801 (cited by Labcorp Genetics (formerly Invitae), Labcorp and ClinVar Staff, National Center for Biotechnology Information (NCBI)).

NM_002900.3(RBP3):c.2497C>T (p.Arg833Cys)

Gene: RBP3 (retinol binding protein 3; plus strand). Cytogenetic location: 10q11.22.
Variant type: single nucleotide variant.
Coding change: c.2497C>T on transcript NM_002900.3 (MANE Select); coding-DNA position 2497, C replaced by T.
Protein change: p.Arg833Cys; replaces arginine 833 with cysteine.
Molecular consequence: missense variant.
Genome position (GRCh38, 1-based): chr10:47,350,981, C>T. VCF-style: chr10-47350981-C-T. GRCh37 (hg19) VCF-style: chr10-48388381-G-A.
Other names: short protein forms R833C.
Identifiers: ClinVar variation 208318 (VCV000208318.10), dbSNP rs142945423, ClinGen allele CA351007.